The following is an entry in ClinVar:

ClinVar aggregate classification (germline): Uncertain significance (1 of 4 stars; one submission).

Conditions:
LAMB2-related infantile-onset nephrotic syndrome. Also called: NEPHROTIC SYNDROME, TYPE 5, WITHOUT OCULAR ABNORMALITIES; NEPHROTIC SYNDROME, TYPE 5, WITH OCULAR ABNORMALITIES; Nephrotic Syndrome, type 5. Identifiers: Orphanet 306507, MedGen C3280113, MONDO:0013621, OMIM 614199.
Pierson syndrome. Also called: MICROCORIA-CONGENITAL NEPHROTIC SYNDROME. Identifiers: Orphanet 2670, MedGen C1836876, MONDO:0012184, OMIM 609049.

Allele frequency attached by ClinVar (database versions not stated): TOPMed below 0.00001.

Submission:

Labcorp Genetics (formerly Invitae), Labcorp
Classification: Uncertain significance for LAMB2-related infantile-onset nephrotic syndrome; Pierson syndrome. Last evaluated: 2021-10-31. Review status: criteria provided, single submitter. Criteria: Invitae Variant Classification Sherloc (09022015). Collection method: clinical testing. Allele origin: germline.
Comment: This variant has not been reported in the literature in individuals affected with LAMB2-related conditions. This variant is not present in population databases (gnomAD no frequency). This sequence change replaces serine, which is neutral and polar, with asparagine, which is neutral and polar, at codon 1356 of the LAMB2 protein (p.Ser1356Asn). Algorithms developed to predict the effect of missense changes on protein structure and function (SIFT, PolyPhen-2, Align-GVGD) all suggest that this variant is likely to be disruptive. In summary, the available evidence is currently insufficient to determine the role of this variant in disease. Therefore, it has been classified as a Variant of Uncertain Significance.

NM_002292.4(LAMB2):c.4067G>A (p.Ser1356Asn)

Gene: LAMB2 (laminin subunit beta 2; minus strand). Cytogenetic location: 3p21.31.
Variant type: single nucleotide variant.
Coding change: c.4067G>A on transcript NM_002292.4 (MANE Select); coding-DNA position 4067, G replaced by A.
Protein change: p.Ser1356Asn; replaces serine 1356 with asparagine.
Molecular consequence: missense variant.
Genome position (GRCh38, 1-based): chr3:49,123,289, C>T on the plus strand (G>A on the coding strand, the complement: LAMB2 is on the minus strand). VCF-style: chr3-49123289-C-T. GRCh37 (hg19) VCF-style: chr3-49160722-C-T.
Other names: short protein forms S1356N.
Identifiers: ClinVar variation 1360685 (VCV001360685.6), dbSNP rs2045371078, ClinGen allele CA352696851.
Genomic context (GRCh38, chr3:49,123,289, plus strand): 5'-TTCTGAGCATCCATCAGTGCCTCTGTCCGATGCCGAGCACTTGCCGAGTTGCTCACAGGG[C>T]TAGGTACTGCCAGGGCTGAGGTATTGGCACGACGTTCTGCCTCTGCAGACTGGCTATGGG-3'
Protein context (NP_002283.3, residues 1346-1366): RANTSALAVP[Ser1356Asn]PVSNSASARH